The following is an entry in ClinVar:

NM_052865.4(MGME1):c.589_590del (p.Arg196_Asp197insTer)

Gene: MGME1 (mitochondrial genome maintenance exonuclease 1; plus strand). Cytogenetic location: 20p11.23.
Variant type: Microsatellite.
Coding change: c.589_590del on transcript NM_052865.4 (MANE Select); coding-DNA positions 589 to 590, 2 bases deleted (GA; older notation c.589_590delGA).
Protein change: p.Arg196_Asp197insTer.
Molecular consequence: nonsense. On other transcripts: intron variant (1).
Genome position (GRCh38, 1-based): chr20:17,975,761-17,975,762, GA deleted; deleting any 2 consecutive bases within chr20:17,975,754-17,975,762 gives the same sequence; the c. name uses the placement nearest the transcript's 3' end. VCF-style (leftmost placement, unchanged base first): chr20-17975753-AAG-A. GRCh37 (hg19) VCF-style: chr20-17956396-AAG-A.
Other names: c.634_635del, p.Arg211_Asp212insTer (NM_001310338.2); c.349_350del, p.Arg116_Asp117insTer (NM_001363738.2); c.511+5384AG[3] (NM_001310339.2).
Identifiers: ClinVar variation 3362549 (VCV003362549.2).

ClinVar aggregate classification (germline): Pathogenic/Likely pathogenic. Review status: criteria provided, multiple submitters, no conflicts (2 of 4 stars). 2 submissions from 2 submitters: Pathogenic (1); Likely pathogenic (1). Last evaluated 2025-06-15.

Conditions:
Mitochondrial DNA depletion syndrome 11 (MTDPS11). Identifiers: Orphanet 352447, MedGen C3554462, MONDO:0014039, OMIM 615084.

Submissions (2):

Labcorp Genetics (formerly Invitae), Labcorp
Classification: Pathogenic. Last evaluated: 2025-06-15. Review status: criteria provided, single submitter. Criteria: Invitae Variant Classification Sherloc (09022015). Collection method: clinical testing. Allele origin: germline.
Comment: This sequence change creates a premature translational stop signal (p.Asp197*) in the MGME1 gene. It is expected to result in an absent or disrupted protein product. Loss-of-function variants in MGME1 are known to be pathogenic (PMID: 23313956). This variant is present in population databases (no rsID available, gnomAD 0.007%). This variant has not been reported in the literature in individuals affected with MGME1-related conditions. For these reasons, this variant has been classified as Pathogenic.

Genomic Medicine Center of Excellence, King Faisal Specialist Hospital and Research Centre
Classification: Likely pathogenic for Mitochondrial DNA depletion syndrome 11. Last evaluated: 2024-09-22. Review status: criteria provided, single submitter. Criteria: ACMG Guidelines, 2015. Collection method: clinical testing. Allele origin: germline.

Literature cited by the submitters: PubMed 23313956 (cited by Labcorp Genetics (formerly Invitae), Labcorp).